The following is an entry in ClinVar:

ClinVar aggregate classification (germline): Pathogenic (1 of 4 stars; one submission).

Conditions:
Glycine encephalopathy 1 (GCE1). Identifiers: MedGen CN376801, MONDO:0958179, OMIM 605899.

Submission:

Myriad Genetics, Inc.
Classification: Pathogenic for Glycine encephalopathy 1. Last evaluated: 2026-07-18. Review status: criteria provided, single submitter. Criteria: Myriad Autosomal Dominant, Autosomal Recessive and X-Linked Classification Criteria (2023). Collection method: clinical testing. Allele origin: unknown.
Comment: NM_000170.2(GLDC):c.1823_1824dupAT(D609Mfs*26) is expected to be pathogenic in the context of glycine encephalopathy, GLDC-related. This variant is predicted to lead to an abnormal or absent protein product due to the creation of a premature termination codon in GLDC, a gene where loss-of-function variants are known to be pathogenic. Please note: this variant was assessed in the context of healthy population screening.

NM_000170.3(GLDC):c.1823_1824dup (p.Asp609fs)

Gene: GLDC (glycine decarboxylase; minus strand). Cytogenetic location: 9p24.1.
Variant type: Duplication.
Coding change: c.1823_1824dup on transcript NM_000170.3 (MANE Select); coding-DNA positions 1823 to 1824, 2 bases duplicated (AT; older notation c.1823_1824dupAT).
Protein change: p.Asp609fs; shifts the reading frame from aspartic acid 609.
Molecular consequence: frameshift variant.
Genome position (GRCh38, 1-based): chr9:6,587,167-6,587,168, AT duplicated on the plus strand (AT on the coding strand, the reverse complement: GLDC is on the minus strand); duplicating any 2 consecutive bases within chr9:6,587,167-6,587,169 gives the same sequence; the c. name uses the placement nearest the transcript's 3' end. VCF-style (leftmost placement, unchanged base first): chr9-6587166-C-CAT. GRCh37 (hg19) VCF-style: chr9-6587166-C-CAT.
Other names: short protein forms D609fs.
Identifiers: ClinVar variation 5016141 (VCV005016141.1).